The following is an entry in ClinVar:

ClinVar aggregate classification (germline): Uncertain significance. Review status: criteria provided, multiple submitters, no conflicts (2 of 4 stars). 2 submissions from 2 submitters: Uncertain significance (2). Last evaluated 2024-10-23.

Conditions:
Inborn genetic diseases. Identifiers: MedGen C0950123, MeSH D030342.

Allele frequency attached by ClinVar (database versions not stated): gnomAD exomes below 0.00001.
gnomAD v4.1: 1 of 1,599,290 alleles (0.000063%); highest among the groups gnomAD compares: Non-Finnish European, 0.000085%; no homozygotes.

Submissions (2):

Ambry Genetics
Classification: Uncertain significance for Inborn genetic diseases. Last evaluated: 2024-10-23. Review status: criteria provided, single submitter. Criteria: Ambry Variant Classification Scheme 2023. Collection method: clinical testing. Allele origin: germline.
Comment: The p.C128F variant (also known as c.383G>T), located in coding exon 4 of the ATR gene, results from a G to T substitution at nucleotide position 383. The cysteine at codon 128 is replaced by phenylalanine, an amino acid with highly dissimilar properties. This amino acid position is conserved. In addition, this alteration is predicted to be tolerated by in silico analysis. Based on the available evidence, the clinical significance of this variant remains unclear.

Labcorp Genetics (formerly Invitae), Labcorp
Classification: Uncertain significance. Last evaluated: 2023-10-04. Review status: criteria provided, single submitter. Criteria: Invitae Variant Classification Sherloc (09022015). Collection method: clinical testing. Allele origin: germline.
Comment: This sequence change replaces cysteine, which is neutral and slightly polar, with phenylalanine, which is neutral and non-polar, at codon 128 of the ATR protein (p.Cys128Phe). This variant is not present in population databases (gnomAD no frequency). This variant has not been reported in the literature in individuals affected with ATR-related conditions. An algorithm developed to predict the effect of missense changes on protein structure and function (PolyPhen-2) suggests that this variant is likely to be disruptive. In summary, the available evidence is currently insufficient to determine the role of this variant in disease. Therefore, it has been classified as a Variant of Uncertain Significance.

NM_001184.4(ATR):c.383G>T (p.Cys128Phe)

Gene: ATR (ATR checkpoint kinase; minus strand). Cytogenetic location: 3q23.
Variant type: single nucleotide variant.
Coding change: c.383G>T on transcript NM_001184.4 (MANE Select); coding-DNA position 383, G replaced by T.
Protein change: p.Cys128Phe; replaces cysteine 128 with phenylalanine.
Molecular consequence: missense variant.
Genome position (GRCh38, 1-based): chr3:142,563,019, C>A on the plus strand (G>T on the coding strand, the complement: ATR is on the minus strand). VCF-style: chr3-142563019-C-A. GRCh37 (hg19) VCF-style: chr3-142281861-C-A.
Other names: c.383G>T (NM_001184.3); c.383G>T, p.Cys128Phe (NM_001354579.2); short protein forms C128F.
Identifiers: ClinVar variation 3003811 (VCV003003811.4), dbSNP rs2473430040, ClinGen allele CA354827197.
Genomic context (GRCh38, chr3:142,563,019, plus strand): 5'-TCTTTTGTGAGTACCCCAAAAATAGCAGGACTCTTGCTTTTAAAAAGAAATAATAATGAA[C>A]AGATGACTTCACAGATTTTCTTGTGTAACAAATGACAGGAGGGAGTTGCTGCAATCCGCA-3'
Protein context (NP_001175.2, residues 118-138): LLHKKICEVI[Cys128Phe]SLLFLFKSKS